The following is an entry in ClinVar:

ClinVar aggregate classification (germline): Conflicting classifications of pathogenicity. Review status: criteria provided, conflicting classifications (1 of 4 stars). 3 submissions from 3 submitters: Uncertain significance (1); Likely benign (2). Last evaluated 2026-04-09.

Conditions:
Inborn genetic diseases. Identifiers: MedGen C0950123, MeSH D030342.

Allele frequency attached by ClinVar (database versions not stated): gnomAD 0.00010; TOPMed 0.00015; gnomAD exomes 0.00003; ExAC 0.00005; ESP Exome Variant Server 0.00009.
gnomAD v4.1: 53 of 1,210,844 alleles (0.0044%); highest among the groups gnomAD compares: Admixed American, 0.03%; no homozygotes.

Submissions (3):

Ambry Genetics
Classification: Likely benign for Inborn genetic diseases. Last evaluated: 2026-04-09. Review status: criteria provided, single submitter. Criteria: Ambry Variant Classification Scheme 2023. Collection method: clinical testing. Allele origin: germline.

Labcorp Genetics (formerly Invitae), Labcorp
Classification: Likely benign. Last evaluated: 2025-09-02. Review status: criteria provided, single submitter. Criteria: Invitae Variant Classification Sherloc (09022015). Collection method: clinical testing. Allele origin: germline.

Women's Health and Genetics/Laboratory Corporation of America, LabCorp
Classification: Uncertain significance. Last evaluated: 2025-09-02. Review status: criteria provided, single submitter. Criteria: LabCorp Variant Classification Summary - May 2015. Collection method: clinical testing. Allele origin: germline.
Comment: Variant summary: AMER1 c.1724G>A (p.Arg575Gln) results in a conservative amino acid change in the encoded protein sequence. Algorithms developed to predict the effect of missense changes on protein structure and function all suggest that this variant is likely to be tolerated. The variant allele was found at a frequency of 3.3e-05 in 183171 control chromosomes. The available data on variant occurrences in the general population are insufficient to allow any conclusion about variant significance. In the gnomAD v4 database, the variant was found in two hemizygotes and 5 heterozygotes. To our knowledge, no occurrence of c.1724G>A in individuals affected with AMER1-related conditions and no experimental evidence demonstrating its impact on protein function have been reported. ClinVar contains an entry for this variant (Variation ID: 1985092). Based on the evidence outlined above, the variant was classified as VUS-possibly benign.

NM_152424.4(AMER1):c.1724G>A (p.Arg575Gln)

Gene: AMER1 (APC membrane recruitment protein 1; minus strand). Cytogenetic location: Xq11.2.
Variant type: single nucleotide variant.
Coding change: c.1724G>A on transcript NM_152424.4 (MANE Select); coding-DNA position 1724, G replaced by A.
Protein change: p.Arg575Gln; replaces arginine 575 with glutamine.
Molecular consequence: missense variant.
Genome position (GRCh38, 1-based): chrX:64,191,563, C>T on the plus strand (G>A on the coding strand, the complement: AMER1 is on the minus strand). VCF-style: chrX-64191563-C-T. GRCh37 (hg19) VCF-style: chrX-63411443-C-T.
Other names: short protein forms R575Q.
Identifiers: ClinVar variation 1985092 (VCV001985092.7), dbSNP rs373710390, ClinGen allele CA10432297.